The following is an entry in ClinVar:

ClinVar aggregate classification (germline): Pathogenic/Likely pathogenic. Review status: criteria provided, multiple submitters, no conflicts (2 of 4 stars). 2 submissions from 2 submitters: Pathogenic (1); Likely pathogenic (1). Last evaluated 2023-06-27.

Conditions:
Hereditary cancer-predisposing syndrome. Also called: Hereditary neoplastic syndrome; Tumor predisposition; Hereditary Cancer Syndrome; Neoplastic Syndromes, Hereditary. Identifiers: Orphanet 140162, MedGen C0027672, MeSH D009386, MONDO:0015356.
Familial cancer of breast. Also called: BREAST CANCER, FAMILIAL; hereditary breast carcinoma; Hereditary breast cancer. Identifiers: Orphanet 227535, MedGen C0346153, MONDO:0016419, OMIM 114480. Disease mechanism: loss of function.

Submissions (2):

Ambry Genetics
Classification: Pathogenic for Hereditary cancer-predisposing syndrome. Last evaluated: 2023-06-27. Review status: criteria provided, single submitter. Criteria: Ambry Variant Classification Scheme 2023. Collection method: clinical testing. Allele origin: germline.
Comment: The c.2870dupA pathogenic mutation, located in coding exon 10 of the BRCA2 gene, results from a duplication of A at nucleotide position 2870, causing a translational frameshift with a predicted alternate stop codon (p.N957Kfs*2). This variant is considered to be rare based on population cohorts in the Genome Aggregation Database (gnomAD). This alteration is expected to result in loss of function by premature protein truncation or nonsense-mediated mRNA decay. As such, this alteration is interpreted as a disease-causing mutation.

Baylor Genetics
Classification: Likely pathogenic for Familial cancer of breast. Last evaluated: 2023-05-05. Review status: criteria provided, single submitter. Criteria: ACMG Guidelines, 2015. Collection method: clinical testing. Allele origin: unknown.

NM_000059.4(BRCA2):c.2870dup (p.Asn957fs)

Gene: BRCA2 (BRCA2 DNA repair associated; plus strand). Cytogenetic location: 13q13.1.
Variant type: Duplication.
Coding change: c.2870dup on transcript NM_000059.4 (MANE Select); coding-DNA position 2870, one base duplicated (A; older notation c.2870dupA).
Protein change: p.Asn957fs; shifts the reading frame from asparagine 957.
Molecular consequence: frameshift variant. On other transcripts: non-coding transcript variant (1), intron variant (2).
Genome position (GRCh38, 1-based): chr13:32,337,225, A duplicated; the last of 5 consecutive A bases (chr13:32,337,221-32,337,225); duplicating any one gives the same sequence. VCF-style (leftmost placement, unchanged base first): chr13-32337220-C-CA. GRCh37 (hg19) VCF-style: chr13-32911357-C-CA.
Other names: c.2870dup, p.Asn957fs (NM_001406719.1, NM_001406720.1); c.1909+3838dup (NM_001406721.1); c.424+6195dup (NM_001406722.1); c.2870dupA (NM_000059.3); short protein forms N957fs.
Identifiers: ClinVar variation 2586265 (VCV002586265.3), dbSNP rs397507645, ClinGen allele CA2582341841.